The following is an entry in ClinVar:

NM_022489.4(INF2):c.3738_3741del (p.Leu1245_Cys1246insTer)

Gene: INF2 (inverted formin 2; plus strand). Cytogenetic location: 14q32.33.
Variant type: Microsatellite.
Coding change: c.3738_3741del on transcript NM_022489.4 (MANE Select); coding-DNA positions 3738 to 3741, 4 bases deleted (TGTG; older notation c.3738_3741delTGTG).
Protein change: p.Leu1245_Cys1246insTer.
Molecular consequence: nonsense. On other transcripts: non-coding transcript variant (1), intron variant (3).
Genome position (GRCh38, 1-based): chr14:104,715,327-104,715,330, TGTG deleted; deleting any 4 consecutive bases within chr14:104,715,323-104,715,330 gives the same sequence; the c. name uses the placement nearest the transcript's 3' end. VCF-style (leftmost placement, unchanged base first): chr14-104715322-CTGTG-C. GRCh37 (hg19) VCF-style: chr14-105181659-CTGTG-C.
Other names: c.3738_3741del, p.Leu1245_Cys1246insTer (NM_001426863.1, NM_001426864.1); c.3694+467TG[2] (NM_001426865.1, NM_001426862.1, NM_001031714.4).
Identifiers: ClinVar variation 3752458 (VCV003752458.2).

ClinVar aggregate classification (germline): Uncertain significance (1 of 4 stars; one submission).

Conditions:
Focal segmental glomerulosclerosis 5 (FSGS5). Identifiers: Orphanet 656, MedGen C2750475, MONDO:0013191, OMIM 613237.
Charcot-Marie-Tooth disease dominant intermediate E. Also called: CHARCOT-MARIE-TOOTH NEUROPATHY WITH FOCAL SEGMENTAL GLOMERULONEPHRITIS. Identifiers: Orphanet 93114, MedGen C4302667, MONDO:0013758, OMIM 614455.

Submission:

Labcorp Genetics (formerly Invitae), Labcorp
Classification: Uncertain significance for Charcot-Marie-Tooth disease dominant intermediate E; Focal segmental glomerulosclerosis 5. Last evaluated: 2024-05-18. Review status: criteria provided, single submitter. Criteria: Invitae Variant Classification Sherloc (09022015). Collection method: clinical testing. Allele origin: germline.
Comment: This sequence change creates a premature translational stop signal (p.Cys1246*) in the INF2 gene. While this is not anticipated to result in nonsense mediated decay, it is expected to disrupt the last 4 amino acid(s) of the INF2 protein. This variant is not present in population databases (gnomAD no frequency). This variant has not been reported in the literature in individuals affected with INF2-related conditions. In summary, the available evidence is currently insufficient to determine the role of this variant in disease. Therefore, it has been classified as a Variant of Uncertain Significance.